The following is an entry in ClinVar:

NM_000321.3(RB1):c.1127G>A (p.Arg376Lys)

Gene: RB1 (RB transcriptional corepressor 1; plus strand). Cytogenetic location: 13q14.2.
Variant type: single nucleotide variant.
Coding change: c.1127G>A on transcript NM_000321.3 (MANE Select); coding-DNA position 1127, G replaced by A.
Protein change: p.Arg376Lys; replaces arginine 376 with lysine.
Molecular consequence: missense variant.
Genome position (GRCh38, 1-based): chr13:48,368,604, G>A. VCF-style: chr13-48368604-G-A. GRCh37 (hg19) VCF-style: chr13-48942740-G-A.
Other names: c.1127G>A (NM_000321.2); short protein forms R376K.
Identifiers: ClinVar variation 1036067 (VCV001036067.9), dbSNP rs1952727608, ClinGen allele CA388161388.
Genomic context (GRCh38, chr13:48,368,604, plus strand): 5'-CACCACGAAAAAGTAACCTTGATGAAGAGGTGAATGTAATTCCTCCACACACTCCAGTTA[G>A]GTATGAATTTTCCTACTTTTAATTATATTATAATTTTGTTATTCATGGCTTTATAGTGTT-3'
Protein context (NP_000312.2, residues 366-386): VNVIPPHTPV[Arg376Lys]TVMNTIQQLM

ClinVar aggregate classification (germline): Uncertain significance. Review status: criteria provided, multiple submitters, no conflicts (2 of 4 stars). 2 submissions from 2 submitters: Uncertain significance (2). Last evaluated 2024-12-26.

Conditions:
Hereditary cancer-predisposing syndrome. Also called: Neoplastic Syndromes, Hereditary; Hereditary Cancer Syndrome; Tumor predisposition; Hereditary neoplastic syndrome. Identifiers: Orphanet 140162, MedGen C0027672, MeSH D009386, MONDO:0015356.
Retinoblastoma (RB1). Also called: RETINOBLASTOMA, SOMATIC. Identifiers: Orphanet 790, MedGen C0035335, MeSH D012175, MONDO:0008380, OMIM 180200, HP:0009919. Disease mechanism: loss of function. Inheritance: Both sporadic and heritable forms are tested..

Allele frequency attached by ClinVar (database versions not stated): gnomAD exomes below 0.00001.
gnomAD v4.1: 1 of 1,612,052 alleles (0.000062%); highest among the groups gnomAD compares: Non-Finnish European, 0.000085%; no homozygotes.

Submissions (2):

Ambry Genetics
Classification: Uncertain significance for Hereditary cancer-predisposing syndrome. Last evaluated: 2024-12-26. Review status: criteria provided, single submitter. Criteria: Ambry Variant Classification Scheme 2023. Collection method: clinical testing. Allele origin: germline.
Comment: The c.1127G>A variant (also known as p.R376K), located in coding exon 11 of the RB1 gene, results from a G to A substitution at nucleotide position 1127. The amino acid change results in arginine to lysine at codon 376, an amino acid with highly similar properties. However, this change occurs in the last base pair of coding exon 11, which makes it likely to have some effect on normal mRNA splicing. This nucleotide position is highly conserved in available vertebrate species. This amino acid position is highly conserved in available vertebrate species. In silico splice site analysis predicts that this alteration may weaken the native splice donor site and will result in the creation or strengthening of a novel splice donor site; however, direct evidence is insufficient at this time (Ambry internal data). In addition, as a missense, the in silico prediction for this alteration is inconclusive. Based on the available evidence, the clinical significance of this variant remains unclear.

Labcorp Genetics (formerly Invitae), Labcorp
Classification: Uncertain significance for Retinoblastoma. Last evaluated: 2024-01-31. Review status: criteria provided, single submitter. Criteria: Invitae Variant Classification Sherloc (09022015). Collection method: clinical testing. Allele origin: germline.
Comment: This sequence change replaces arginine, which is basic and polar, with lysine, which is basic and polar, at codon 376 of the RB1 protein (p.Arg376Lys). This variant also falls at the last nucleotide of exon 11, which is part of the consensus splice site for this exon. This variant is not present in population databases (gnomAD no frequency). This variant has not been reported in the literature in individuals affected with RB1-related conditions. ClinVar contains an entry for this variant (Variation ID: 1036067). An algorithm developed to predict the effect of missense changes on protein structure and function (PolyPhen-2) suggests that this variant is likely to be disruptive. Variants that disrupt the consensus splice site are a relatively common cause of aberrant splicing (PMID: 17576681, 9536098). Algorithms developed to predict the effect of sequence changes on RNA splicing suggest that this variant may disrupt the consensus splice site. In summary, the available evidence is currently insufficient to determine the role of this variant in disease. Therefore, it has been classified as a Variant of Uncertain Significance.

Literature cited by the submitters: PubMed 17576681 (cited by Labcorp Genetics (formerly Invitae), Labcorp); PubMed 9536098 (cited by Labcorp Genetics (formerly Invitae), Labcorp).